The following is an entry in ClinVar:

ClinVar aggregate classification (germline): Benign/Likely benign. Review status: criteria provided, multiple submitters, no conflicts (2 of 4 stars). 19 submissions from 18 submitters: Benign (12); Likely benign (3). 4 of the submissions do not count toward it. Last evaluated 2026-02-04.

Conditions:
Cardiovascular phenotype. Identifiers: MedGen CN230736.
Hypercholesterolemia, autosomal dominant, type B (FHCL2). Also called: Familial Hypercholesterolemia Type B; APOLIPOPROTEIN B-100, FAMILIAL DEFECTIVE; APOLIPOPROTEIN B-100, FAMILIAL LIGAND-DEFECTIVE; HYPERCHOLESTEROLEMIA, FAMILIAL, DUE TO LIGAND-DEFECTIVE APOLIPOPROTEIN B; Hyperlipoproteinemia Type IIb; Familial hypercholesterolemia 2. Identifiers: MedGen C1704417, MONDO:0007751, OMIM 144010.
Familial hypobetalipoproteinemia 1. Also called: Hypobetalipoproteinemia, normotriglyceridemic; Acanthocytosis with hypobetalipoproteinemia; APOB-Related Familial Hypobetalipoproteinemia. Identifiers: MedGen C4551990, MONDO:0014252, OMIM 615558.
Familial hypercholesterolemia. Also called: Familial hypercholesterolemias; Familial hypercholesterolaemia. Identifiers: MedGen C0020445, MONDO:0005439.
Hypercholesterolemia, familial, 1. Also called: LDL RECEPTOR DISORDER; Hyperlipoproteinemia Type IIa; HYPER-LOW-DENSITY-LIPOPROTEINEMIA; HYPERCHOLESTEROLEMIC XANTHOMATOSIS, FAMILIAL; Fredrickson type IIa hyperlipoproteinemia; Hyperlipoproteinemia type 2. Identifiers: Orphanet 391665, MedGen C0745103, MONDO:0007750, OMIM 143890.

Allele frequency attached by ClinVar (database versions not stated): ESP Exome Variant Server 0.19652; TOPMed 0.22106; ExAC 0.29280; 1000 Genomes Project 30x 0.35556; 1000 Genomes Project 0.36621.
gnomAD v4.1: 390,663 of 1,613,762 alleles (24%); highest among the groups gnomAD compares: East Asian, 73%; 57,804 homozygotes.

Submissions (19):

Labcorp Genetics (formerly Invitae), Labcorp
Classification: Benign for Familial hypobetalipoproteinemia 1; Hypercholesterolemia, autosomal dominant, type B. Last evaluated: 2026-02-04. Review status: criteria provided, single submitter. Criteria: Invitae Variant Classification Sherloc (09022015). Collection method: clinical testing. Allele origin: germline.

Molecular Diagnostic Laboratory for Inherited Cardiovascular Disease, Montreal Heart Institute
Classification: Benign. Last evaluated: 2025-04-09. Review status: criteria provided, single submitter. Criteria: ACMG Guidelines, 2015. Collection method: clinical testing. Allele origin: germline. Affected: no.

Blueprint Genetics
Classification: Benign. Last evaluated: 2024-11-26. Review status: criteria provided, single submitter. Criteria: ACMG Guidelines, 2015. Collection method: clinical testing. Allele origin: germline.

GENinCode PLC
Classification: Benign for Familial hypercholesterolemia. Last evaluated: 2022-06-21. Review status: criteria provided, single submitter. Criteria: ACMG Guidelines, 2015. Collection method: clinical testing. Allele origin: germline.

Mendelics
Classification: Benign for Hypercholesterolemia, familial, 1. Last evaluated: 2019-05-28. Review status: criteria provided, single submitter. Criteria: Mendelics Assertion Criteria 2017. Collection method: clinical testing. Allele origin: unknown.

Color Diagnostics, LLC DBA Color Health
Classification: Benign for Familial hypercholesterolemias. Last evaluated: 2017-07-25. Review status: criteria provided, single submitter. Criteria: ACMG Guidelines, 2015. Collection method: clinical testing. Allele origin: germline.

Illumina Laboratory Services, Illumina
Classification: Likely benign for Familial hypobetalipoproteinemia 1. Last evaluated: 2017-04-27. Review status: criteria provided, single submitter. Criteria: ICSL Variant Classification Criteria 13 December 2019. Collection method: clinical testing. Allele origin: germline.
Comment: This variant was observed as part of a predisposition screen in an ostensibly healthy population. A literature search was performed for the gene, cDNA change, and amino acid change (where applicable). No publications were found based on this search. Allele frequency data from public databases allowed determination this variant is unlikely to cause disease. Therefore, this variant is classified as likely benign.

Illumina Laboratory Services, Illumina
Classification: Likely benign for Hypercholesterolemia, autosomal dominant, type B. Last evaluated: 2017-04-27. Review status: criteria provided, single submitter. Criteria: ICSL Variant Classification Criteria 13 December 2019. Collection method: clinical testing. Allele origin: germline.
Comment: the same text as in the submission from Illumina Laboratory Services, Illumina above.

GeneDx
Classification: Benign. Last evaluated: 2016-10-27. Review status: criteria provided, single submitter. Criteria: GeneDx Variant Classification (06012015). Collection method: clinical testing. Allele origin: germline. Affected: yes.
Comment: This variant is considered likely benign or benign based on one or more of the following criteria: it is a conservative change, it occurs at a poorly conserved position in the protein, it is predicted to be benign by multiple in silico algorithms, and/or has population frequency not consistent with disease.

Cardiovascular Research Group, Instituto Nacional de Saude Doutor Ricardo Jorge
Classification: Benign for Familial hypercholesterolemia. Last evaluated: 2016-03-01. Review status: criteria provided, single submitter. Criteria: ACMG Guidelines, 2015. Collection method: research. Allele origin: germline. Affected: yes.

Laboratory of Genetics and Molecular Cardiology, University of São Paulo
Classification: Benign for Familial hypercholesterolemia. Last evaluated: 2016-03-01. Review status: criteria provided, single submitter. Criteria: ACMG Guidelines, 2015. Collection method: research. Allele origin: germline. Study: HipercolBrasil.

Ambry Genetics
Classification: Benign for Cardiovascular phenotype. Last evaluated: 2015-12-08. Review status: criteria provided, single submitter. Criteria: Ambry Variant Classification Scheme 2023. Collection method: clinical testing. Allele origin: germline.

Mayo Clinic Laboratories, Mayo Clinic
Classification: Benign. Last evaluated: 2014-01-31. Review status: criteria provided, single submitter. Criteria: ACMG Guidelines, 2015. Collection method: clinical testing. Allele origin: germline. Observed: 528 variant alleles.

Breakthrough Genomics
Classification: Likely benign. Review status: criteria provided, single submitter. Criteria: ACMG Guidelines, 2015. Collection method: not provided. Allele origin: germline. Inheritance: Autosomal recessive inheritance. Affected: yes.

PreventionGenetics, part of Exact Sciences
Classification: Benign. Review status: criteria provided, single submitter. Criteria: ACMG Guidelines, 2015. Collection method: clinical testing. Allele origin: germline.

Cohesion Phenomics
Classification: Benign for Familial hypercholesterolemia. Last evaluated: 2023-02-09. Review status: no assertion criteria provided. Criteria: ACMG Guidelines, 2015. Collection method: clinical testing. Allele origin: germline. Affected: yes. Not counted in ClinVar's aggregate classification.

Clinical Genetics, Academic Medical Center
Classification: Benign. Review status: no assertion criteria provided. Collection method: clinical testing. Allele origin: germline. Affected: yes. Study: VKGL Data-share Consensus. Not counted in ClinVar's aggregate classification.

Diagnostic Laboratory, Department of Genetics, University Medical Center Groningen
Classification: Benign. Review status: no assertion criteria provided. Collection method: clinical testing. Allele origin: germline. Affected: yes. Study: VKGL Data-share Consensus. Not counted in ClinVar's aggregate classification.

Genetic Services Laboratory, University of Chicago
Classification: Likely benign for AllHighlyPenetrant. Review status: no assertion criteria provided. Collection method: clinical testing. Allele origin: germline. Inheritance: Autosomal dominant inheritance. Not counted in ClinVar's aggregate classification.
Comment: Likely benign based on allele frequency in 1000 Genomes Project or ESP global frequency and its presence in a patient with a rare or unrelated disease phenotype. NOT Sanger confirmed.

NM_000384.3(APOB):c.8216C>T (p.Pro2739Leu)

Gene: APOB (apolipoprotein B; minus strand). Cytogenetic location: 2p24.1.
Variant type: single nucleotide variant.
Coding change: c.8216C>T on transcript NM_000384.3 (MANE Select); coding-DNA position 8216, C replaced by T.
Protein change: p.Pro2739Leu; replaces proline 2739 with leucine.
Molecular consequence: missense variant.
Genome position (GRCh38, 1-based): chr2:21,008,652, G>A on the plus strand (C>T on the coding strand, the complement: APOB is on the minus strand). VCF-style: chr2-21008652-G-A. GRCh37 (hg19) VCF-style: chr2-21231524-G-A.
Other names: p.Pro2739Leu; short protein forms P2739L.
Identifiers: ClinVar variation 128426 (VCV000128426.37), dbSNP rs676210, ClinGen allele CA022935.